The following is an entry in ClinVar:

ClinVar aggregate classification (germline): Pathogenic (1 of 4 stars; one submission).

Conditions:
Hereditary cancer-predisposing syndrome. Also called: Neoplastic Syndromes, Hereditary; Tumor predisposition; Hereditary Cancer Syndrome; Hereditary neoplastic syndrome. Identifiers: Orphanet 140162, MedGen C0027672, MeSH D009386, MONDO:0015356.

Submission:

Ambry Genetics
Classification: Pathogenic for Hereditary cancer-predisposing syndrome. Last evaluated: 2017-06-27. Review status: criteria provided, single submitter. Criteria: Ambry Variant Classification Scheme 2023. Collection method: clinical testing. Allele origin: germline.
Comment: The c.8970delG pathogenic mutation, located in coding exon 22 of the BRCA2 gene, results from a deletion of one nucleotide at nucleotide position 8970, causing a translational frameshift with a predicted alternate stop codon (p.W2990Cfs*11). This alteration is expected to result in loss of function by premature protein truncation or nonsense-mediated mRNA decay. As such, this alteration is interpreted as a disease-causing mutation.

NM_000059.4(BRCA2):c.8970del (p.Trp2990fs)

Gene: BRCA2 (BRCA2 DNA repair associated; plus strand). Cytogenetic location: 13q13.1.
Variant type: Deletion.
Coding change: c.8970del on transcript NM_000059.4 (MANE Select); coding-DNA position 8970, one base deleted (G; older notation c.8970delG).
Protein change: p.Trp2990fs; shifts the reading frame from tryptophan 2990.
Molecular consequence: frameshift variant.
Genome position (GRCh38, 1-based): chr13:32,379,766, G deleted; the last of 2 consecutive G bases (chr13:32,379,765-32,379,766); deleting either gives the same sequence. VCF-style (leftmost placement, unchanged base first): chr13-32379764-TG-T. GRCh37 (hg19) VCF-style: chr13-32953901-TG-T.
Other names: c.8874delG, p.Trp2958Cysfs (NM_001406719.1); c.4038delG, p.Trp1346Cysfs (NM_001406721.1); c.2553delG, p.Trp851Cysfs (NM_001406722.1); short protein forms W2990fs.
Identifiers: ClinVar variation 1765285 (VCV001765285.2), dbSNP rs2137622048, ClinGen allele CA2580087484.
Genomic context (GRCh38, chr13:32,379,764, plus strand): 5'-GATAATCACTTCTTCCATTGCATCTTTCTCATCTTTCTCCAAACAGTTATACTGAGTATT[TG>T]GCGTCCATCATCAGATTTATATTCTCTGTTAACAGAAGGAAAGAGATACAGAATTTATCA-3'